The following is an entry in ClinVar:

ClinVar aggregate classification (germline): Uncertain significance (1 of 4 stars; one submission).

Conditions:
Arginine:glycine amidinotransferase deficiency (CCDS3). Also called: Cerebral creatine deficiency syndrome 3; L-Arginine:Glycine Amidinotransferase (AGAT) Deficiency; AGAT deficiency; L-Arginine:Glycine Amidinotransferase Deficiency; Creatine deficiency syndrome due to AGAT deficiency; GATM deficiency. Identifiers: Orphanet 35704, MedGen C2675179, MONDO:0012996, OMIM 612718.

Submission:

Labcorp Genetics (formerly Invitae), Labcorp
Classification: Uncertain significance for Arginine:glycine amidinotransferase deficiency. Last evaluated: 2021-12-24. Review status: criteria provided, single submitter. Criteria: Invitae Variant Classification Sherloc (09022015). Collection method: clinical testing. Allele origin: germline.
Comment: This sequence change replaces glycine, which is neutral and non-polar, with glutamic acid, which is acidic and polar, at codon 25 of the GATM protein (p.Gly25Glu). This variant is not present in population databases (gnomAD no frequency). This variant has not been reported in the literature in individuals affected with GATM-related conditions. Algorithms developed to predict the effect of missense changes on protein structure and function (SIFT, PolyPhen-2, Align-GVGD) all suggest that this variant is likely to be tolerated. In summary, the available evidence is currently insufficient to determine the role of this variant in disease. Therefore, it has been classified as a Variant of Uncertain Significance.

NM_001482.3(GATM):c.74G>A (p.Gly25Glu)

Gene: GATM (glycine amidinotransferase; minus strand). Cytogenetic location: 15q21.1.
Variant type: single nucleotide variant.
Coding change: c.74G>A on transcript NM_001482.3 (MANE Select); coding-DNA position 74, G replaced by A.
Protein change: p.Gly25Glu; replaces glycine 25 with glutamic acid.
Molecular consequence: missense variant. On other transcripts: 5 prime UTR variant (1).
Genome position (GRCh38, 1-based): chr15:45,376,815, C>T on the plus strand (G>A on the coding strand, the complement: GATM is on the minus strand). VCF-style: chr15-45376815-C-T. GRCh37 (hg19) VCF-style: chr15-45669013-C-T.
Other names: c.-314G>A (NM_001321015.2); short protein forms G25E.
Identifiers: ClinVar variation 2058477 (VCV002058477.4), dbSNP rs2542006053, ClinGen allele CA392266045.